The following is an entry in ClinVar:

NM_005585.5(SMAD6):c.607G>C (p.Gly203Arg)

Gene: SMAD6 (SMAD family member 6; plus strand). Cytogenetic location: 15q22.31.
Variant type: single nucleotide variant.
Coding change: c.607G>C on transcript NM_005585.5 (MANE Select); coding-DNA position 607, G replaced by C.
Protein change: p.Gly203Arg; replaces glycine 203 with arginine.
Molecular consequence: missense variant. On other transcripts: non-coding transcript variant (1).
Genome position (GRCh38, 1-based): chr15:66,703,865, G>C. VCF-style: chr15-66703865-G-C. GRCh37 (hg19) VCF-style: chr15-66996203-G-C.
Other names: c.607G>C (NM_005585.4); short protein forms G203R.
Identifiers: ClinVar variation 3698823 (VCV003698823.3).

ClinVar aggregate classification (germline): Uncertain significance. Review status: criteria provided, multiple submitters, no conflicts (2 of 4 stars). 2 submissions from 2 submitters: Uncertain significance (2). Last evaluated 2026-05-12.

Conditions:
Inborn genetic diseases. Identifiers: MedGen C0950123, MeSH D030342.
Aortic valve disease 2 (AOVD2). Identifiers: MedGen C3542024, MONDO:0013902, OMIM 614823.

Submissions (2):

Ambry Genetics
Classification: Uncertain significance for Inborn genetic diseases. Last evaluated: 2026-05-12. Review status: criteria provided, single submitter. Criteria: Ambry Variant Classification Scheme 2023. Collection method: clinical testing. Allele origin: germline.

Labcorp Genetics (formerly Invitae), Labcorp
Classification: Uncertain significance for Aortic valve disease 2. Last evaluated: 2024-12-30. Review status: criteria provided, single submitter. Criteria: Invitae Variant Classification Sherloc (09022015). Collection method: clinical testing. Allele origin: germline.
Comment: This sequence change replaces glycine, which is neutral and non-polar, with arginine, which is basic and polar, at codon 203 of the SMAD6 protein (p.Gly203Arg). This variant is not present in population databases (gnomAD no frequency). This variant has not been reported in the literature in individuals affected with SMAD6-related conditions. Invitae Evidence Modeling of protein sequence and biophysical properties (such as structural, functional, and spatial information, amino acid conservation, physicochemical variation, residue mobility, and thermodynamic stability) indicates that this missense variant is not expected to disrupt SMAD6 protein function with a negative predictive value of 80%. In summary, the available evidence is currently insufficient to determine the role of this variant in disease. Therefore, it has been classified as a Variant of Uncertain Significance.